The following is an entry in ClinVar:

NM_000432.4(MYL2):c.275-14G>A

Gene: MYL2 (myosin light chain 2; minus strand). Cytogenetic location: 12q24.11.
Variant type: single nucleotide variant.
Coding change: c.275-14G>A on transcript NM_000432.4 (MANE Select); 14 bases into the intron before coding-DNA position 275, G replaced by A.
Molecular consequence: intron variant.
Genome position (GRCh38, 1-based): chr12:110,913,338, C>T on the plus strand (G>A on the coding strand, the complement: MYL2 is on the minus strand). VCF-style: chr12-110913338-C-T. GRCh37 (hg19) VCF-style: chr12-111351142-C-T.
Other names: c.218-14G>A (NM_001406916.1); c.233-14G>A (NM_001406745.1).
Identifiers: ClinVar variation 3069991 (VCV003069991.1), dbSNP rs375703502, ClinGen allele CA2825002053.
Genomic context (GRCh38, chr12:110,913,338, plus strand): 5'-GTCAAACACTTTGAATGCGTTGAGAATGGTTTCCTCAGGGTCCGCTCCTGAAACGGAACA[C>T]AGGGCTTACATGTACTGGGGGTGGCTGGGAACCACTGGCACCCCAGGCAGCAGGGCCCAA-3'

ClinVar aggregate classification (germline): Uncertain significance (1 of 4 stars; one submission).

Conditions:
Hypertrophic cardiomyopathy. Also called: HYPERTROPHIC MYOCARDIOPATHY. Identifiers: Orphanet 217569, MedGen C0007194, MeSH D002312, MONDO:0005045, HP:0001639.

Submission:

All of Us Research Program, National Institutes of Health
Classification: Uncertain significance for Hypertrophic cardiomyopathy. Last evaluated: 2023-03-23. Review status: criteria provided, single submitter. Criteria: ACMG Guidelines, 2015. Collection method: clinical testing. Allele origin: germline. Inheritance: Autosomal dominant inheritance. Observed: 1 variant allele, 1 heterozygote.
Comment: This variant causes a G to A nucleotide substitution at the -14 position of intron 4 of the MYL2 gene. To our knowledge, functional studies have not been reported for this variant. This variant has not been reported in individuals affected with MYL2-related disorders in the literature. This variant has not been identified in the general population by the Genome Aggregation Database (gnomAD). The available evidence is insufficient to determine the role of this variant in disease conclusively. Therefore, this variant is classified as a Variant of Uncertain Significance.

This study involves interpretation of variants in research participants for the purpose of population health screening. Participant phenotype was not available at the time of variant classification. Additional details can be found in publication PMID: 35346344, PMCID: PMC8962531